The following is an entry in ClinVar:

NM_022041.4(GAN):c.1502+4A>G

Gene: GAN (gigaxonin; plus strand). Cytogenetic location: 16q23.2.
Variant type: single nucleotide variant.
Coding change: c.1502+4A>G on transcript NM_022041.4 (MANE Select); 4 bases into the intron after coding-DNA position 1502, A replaced by G.
Molecular consequence: intron variant.
Genome position (GRCh38, 1-based): chr16:81,365,482, A>G. VCF-style: chr16-81365482-A-G. GRCh37 (hg19) VCF-style: chr16-81399087-A-G.
Other names: c.863+4A>G (NM_001377486.1).
Identifiers: ClinVar variation 533931 (VCV000533931.6), dbSNP rs748724208, ClinGen allele CA8191780.
Genomic context (GRCh38, chr16:81,365,482, plus strand): 5'-CCAGGGTAGCGAGATGGTAACTTGCAAGTCCGAGTTCTACCATGATGAGTTTAAAAGGTA[A>G]CTAAGAATGGTTTCACATAGCTACTGCAACTTTTTCTTTGTGCTTTCAGTCGTATTTTAG-3'

ClinVar aggregate classification (germline): Uncertain significance (1 of 4 stars; one submission).

Conditions:
Giant axonal neuropathy 1 (GAN1). Also called: GAN-Related Neurodegeneration; GIANT AXONAL NEUROPATHY 1, AUTOSOMAL RECESSIVE. Identifiers: Orphanet 643, MedGen C1850386, MONDO:0009749, OMIM 256850.

Allele frequency attached by ClinVar (database versions not stated): gnomAD exomes below 0.00001; TOPMed below 0.00001; ExAC 0.00001.
gnomAD v4.1: 2 of 1,613,372 alleles (0.00012%); highest among the groups gnomAD compares: Non-Finnish European, 0.00017%; no homozygotes.

Submission:

Labcorp Genetics (formerly Invitae), Labcorp
Classification: Uncertain significance for Giant axonal neuropathy 1. Last evaluated: 2020-02-14. Review status: criteria provided, single submitter. Criteria: Invitae Variant Classification Sherloc (09022015). Collection method: clinical testing. Allele origin: germline.
Comment: This variant has not been reported in the literature in individuals with GAN-related disease. This variant is present in population databases (rs748724208, ExAC 0.001%). This sequence change falls in intron 9 of the GAN gene. It does not directly change the encoded amino acid sequence of the GAN protein, but it affects a nucleotide within the consensus splice site of the intron. In summary, the available evidence is currently insufficient to determine the role of this variant in disease. Therefore, it has been classified as a Variant of Uncertain Significance. Nucleotide substitutions within the consensus splice site are a relatively common cause of aberrant splicing (PMID: 17576681, 9536098). Algorithms developed to predict the effect of sequence changes on RNA splicing suggest that this variant may disrupt the consensus splice site, but this prediction has not been confirmed by published transcriptional studies.

Literature cited by the submitters: PubMed 17576681; PubMed 9536098.